The following is an entry in ClinVar:

ClinVar aggregate classification (germline): Benign/Likely benign. Review status: criteria provided, multiple submitters, no conflicts (2 of 4 stars). 9 submissions from 9 submitters: Benign (1); Likely benign (5). 3 of the submissions do not count toward it. Last evaluated 2025-11-10.

Conditions:
Familial cancer of breast. Also called: BREAST CANCER, FAMILIAL; Hereditary breast cancer; hereditary breast carcinoma. Identifiers: Orphanet 227535, MedGen C0346153, MONDO:0016419, OMIM 114480. Disease mechanism: loss of function.
PALB2-related disorder. Also called: PALB2-related condition; PALB2-related disorders.
Hereditary cancer-predisposing syndrome. Also called: Neoplastic Syndromes, Hereditary; Tumor predisposition; Hereditary Cancer Syndrome; Hereditary neoplastic syndrome. Identifiers: Orphanet 140162, MedGen C0027672, MeSH D009386, MONDO:0015356.

Allele frequency attached by ClinVar (database versions not stated): gnomAD 0.00001.
gnomAD v4.1: 5 of 1,613,386 alleles (0.00031%); highest among the groups gnomAD compares: Non-Finnish European, 0.00042%; no homozygotes.

Submissions (9):

Labcorp Genetics (formerly Invitae), Labcorp
Classification: Likely benign for Familial cancer of breast. Last evaluated: 2025-11-10. Review status: criteria provided, single submitter. Criteria: Invitae Variant Classification Sherloc (09022015). Collection method: clinical testing. Allele origin: germline.

Myriad Genetics, Inc.
Classification: Benign for Familial cancer of breast. Last evaluated: 2025-01-21. Review status: criteria provided, single submitter. Criteria: Myriad Autosomal Dominant, Autosomal Recessive and X-Linked Classification Criteria (2023). Collection method: clinical testing. Allele origin: unknown.
Comment: This variant is considered benign. This variant is a silent/synonymous amino acid change and it is not expected to impact splicing.

Sema4
Classification: Likely benign for Hereditary cancer-predisposing syndrome. Last evaluated: 2021-03-30. Review status: criteria provided, single submitter. Criteria: Sema4 Curation Guidelines. Collection method: curation. Allele origin: germline.

GeneDx
Classification: Likely benign. Last evaluated: 2018-01-23. Review status: criteria provided, single submitter. Criteria: GeneDx Variant Classification (06012015). Collection method: clinical testing. Allele origin: germline. Affected: yes.
Comment: This variant is considered likely benign or benign based on one or more of the following criteria: it is a conservative change, it occurs at a poorly conserved position in the protein, it is predicted to be benign by multiple in silico algorithms, and/or has population frequency not consistent with disease.

Color Diagnostics, LLC DBA Color Health
Classification: Likely benign for Hereditary cancer-predisposing syndrome. Last evaluated: 2017-12-08. Review status: criteria provided, single submitter. Criteria: ACMG Guidelines, 2015. Collection method: clinical testing. Allele origin: germline.

Ambry Genetics
Classification: Likely benign for Hereditary cancer-predisposing syndrome. Last evaluated: 2014-11-18. Review status: criteria provided, single submitter. Criteria: Ambry Variant Classification Scheme 2023. Collection method: clinical testing. Allele origin: germline.

PreventionGenetics, part of Exact Sciences
Classification: Likely benign for PALB2-related condition. Last evaluated: 2023-01-19. Review status: no assertion criteria provided. Collection method: clinical testing. Allele origin: germline. Not counted in ClinVar's aggregate classification.
Comment: This variant is classified as likely benign based on ACMG/AMP sequence variant interpretation guidelines (Richards et al. 2015 PMID: 25741868, with internal and published modifications).

Genome Diagnostics Laboratory, Amsterdam University Medical Center
Classification: Likely benign. Review status: no assertion criteria provided. Collection method: clinical testing. Allele origin: germline. Affected: yes. Study: VKGL Data-share Consensus. Not counted in ClinVar's aggregate classification.

Joint Genome Diagnostic Labs from Nijmegen and Maastricht, Radboudumc and MUMC+
Classification: Likely benign. Review status: no assertion criteria provided. Collection method: clinical testing. Allele origin: germline. Affected: yes. Study: VKGL Data-share Consensus. Not counted in ClinVar's aggregate classification.

NM_024675.4(PALB2):c.3204G>A (p.Gly1068=)

Gene: PALB2 (partner and localizer of BRCA2; minus strand). Cytogenetic location: 16p12.2.
Variant type: single nucleotide variant.
Coding change: c.3204G>A on transcript NM_024675.4 (MANE Select); coding-DNA position 3204, G replaced by A.
Protein change: p.Gly1068=; no amino-acid change (glycine 1068 retained).
Molecular consequence: synonymous variant.
Genome position (GRCh38, 1-based): chr16:23,608,010, C>T on the plus strand (G>A on the coding strand, the complement: PALB2 is on the minus strand). VCF-style: chr16-23608010-C-T. GRCh37 (hg19) VCF-style: chr16-23619331-C-T.
Identifiers: ClinVar variation 187105 (VCV000187105.25), dbSNP rs786203475, ClinGen allele CA196750.